The following is an entry in ClinVar:

ClinVar aggregate classification (germline): Conflicting classifications of pathogenicity. Review status: criteria provided, conflicting classifications (1 of 4 stars). 3 submissions from 3 submitters: Uncertain significance (1); Likely benign (2). Last evaluated 2026-02-12.

Conditions:
FGFR3-related disorder. Also called: FGFR3-related disorders.

Allele frequency attached by ClinVar (database versions not stated): gnomAD 0.00001; ExAC 0.00003; TOPMed 0.00003; gnomAD exomes 0.00006.
gnomAD v4.1: 49 of 1,612,866 alleles (0.003%); highest among the groups gnomAD compares: Admixed American, 0.018%; no homozygotes.

Submissions (3):

PreventionGenetics, part of Exact Sciences
Classification: Likely benign for FGFR3-related condition. Last evaluated: 2026-02-12. Review status: criteria provided, single submitter. Criteria: ACMG Guidelines, 2015. Collection method: clinical testing. Allele origin: germline.
Comment: This variant is classified as likely benign based on ACMG/AMP sequence variant interpretation guidelines (Richards et al. 2015 PMID: 25741868, with internal and published modifications).

Mayo Clinic Laboratories, Mayo Clinic
Classification: Likely benign. Last evaluated: 2025-09-11. Review status: criteria provided, single submitter. Criteria: ACMG Guidelines, 2015. Collection method: clinical testing. Allele origin: germline. Observed: 1 variant allele.
Comment: BP4, BP7

Labcorp Genetics (formerly Invitae), Labcorp
Classification: Uncertain significance. Last evaluated: 2025-04-02. Review status: criteria provided, single submitter. Criteria: Invitae Variant Classification Sherloc (09022015). Collection method: clinical testing. Allele origin: germline.
Comment: This sequence change falls in intron 15 of the FGFR3 gene. It does not directly change the encoded amino acid sequence of the FGFR3 protein. It affects a nucleotide within the consensus splice site. This variant is present in population databases (rs764661082, gnomAD 0.02%). This variant has not been reported in the literature in individuals affected with FGFR3-related conditions. ClinVar contains an entry for this variant (Variation ID: 1680119). Variants that disrupt the consensus splice site are a relatively common cause of aberrant splicing (PMID: 17576681, 9536098). Algorithms developed to predict the effect of sequence changes on RNA splicing suggest that this variant is not likely to affect RNA splicing. In summary, the available evidence is currently insufficient to determine the role of this variant in disease. Therefore, it has been classified as a Variant of Uncertain Significance.

Literature cited by the submitters: PubMed 17576681 (cited by Labcorp Genetics (formerly Invitae), Labcorp); PubMed 9536098 (cited by Labcorp Genetics (formerly Invitae), Labcorp).

NM_000142.5(FGFR3):c.2030+4C>T

Gene: FGFR3 (fibroblast growth factor receptor 3; plus strand). Cytogenetic location: 4p16.3.
Variant type: single nucleotide variant.
Coding change: c.2030+4C>T on transcript NM_000142.5 (MANE Select); 4 bases into the intron after coding-DNA position 2030, C replaced by T.
Molecular consequence: intron variant.
Genome position (GRCh38, 1-based): chr4:1,806,331, C>T. VCF-style: chr4-1806331-C-T. GRCh37 (hg19) VCF-style: chr4-1808058-C-T.
Other names: p.?; c.2030+4C>T (NM_000142.4); c.2036+4C>T (NM_001163213.2); c.2033+4C>T (NM_001354809.2); c.1962+158C>T (NM_001354810.2); c.1694+4C>T (NM_022965.4).
Identifiers: ClinVar variation 1680119 (VCV001680119.8), dbSNP rs764661082, ClinGen allele CA2810679.